The following is an entry in ClinVar:

NM_001101426.4(CRPPA):c.136G>C (p.Ala46Pro)

Genes: CRPPA (CDP-L-ribitol pyrophosphorylase A; minus strand), LOC129998004 (ATAC-STARR-seq lymphoblastoid silent region 17981; plus strand). Cytogenetic location: 7p21.2.
Variant type: single nucleotide variant.
Coding change: c.136G>C on transcript NM_001101426.4 (MANE Select); coding-DNA position 136, G replaced by C.
Protein change: p.Ala46Pro; replaces alanine 46 with proline.
Molecular consequence: missense variant. On other transcripts: non-coding transcript variant (1).
Genome position (GRCh38, 1-based): chr7:16,421,187, C>G on the plus strand (G>C on the coding strand, the complement: CRPPA is on the minus strand). VCF-style: chr7-16421187-C-G. GRCh37 (hg19) VCF-style: chr7-16460812-C-G.
Other names: c.136G>C, p.Ala46Pro (NM_001101417.4, NM_001368197.1); short protein forms A46P.
Identifiers: ClinVar variation 286035 (VCV000286035.10), dbSNP rs886043286, ClinGen allele CA10605337.

ClinVar aggregate classification (germline): Uncertain significance. Review status: criteria provided, multiple submitters, no conflicts (2 of 4 stars). 3 submissions from 3 submitters: Uncertain significance (3). Last evaluated 2022-06-20.

Conditions:
Muscular dystrophy-dystroglycanopathy (congenital with brain and eye anomalies), type A, 7. Also called: WALKER-WARBURG SYNDROME OR MUSCLE-EYE-BRAIN DISEASE, ISPD-RELATED; Congenital muscular dystrophy-dystroglycanopathy with brain and eye anomalies, type A7. Identifiers: Orphanet 899, MedGen C3553330, MONDO:0013835, OMIM 614643.
Autosomal recessive limb-girdle muscular dystrophy type 2U. Also called: MUSCULAR DYSTROPHY, LIMB-GIRDLE, TYPE 2U; Muscular dystrophy-dystroglycanopathy (limb-girdle), type c, 7. Identifiers: Orphanet 352479, MedGen C5190987, MONDO:0014474, OMIM 616052.

Allele frequency attached by ClinVar (database versions not stated): TOPMed below 0.00001; gnomAD 0.00001; gnomAD exomes 0.00001.
gnomAD v4.1: 4 of 1,342,374 alleles (0.0003%); highest among the groups gnomAD compares: Non-Finnish European, 0.00038%; no homozygotes.

Submissions (3):

Labcorp Genetics (formerly Invitae), Labcorp
Classification: Uncertain significance for Muscular dystrophy-dystroglycanopathy (congenital with brain and eye anomalies), type A, 7; Autosomal recessive limb-girdle muscular dystrophy type 2U. Last evaluated: 2022-06-20. Review status: criteria provided, single submitter. Criteria: Invitae Variant Classification Sherloc (09022015). Collection method: clinical testing. Allele origin: germline.
Comment: This sequence change replaces alanine, which is neutral and non-polar, with proline, which is neutral and non-polar, at codon 46 of the ISPD protein (p.Ala46Pro). This variant is present in population databases (no rsID available, gnomAD 0.007%). This variant has not been reported in the literature in individuals affected with ISPD-related conditions. ClinVar contains an entry for this variant (Variation ID: 286035). Algorithms developed to predict the effect of missense changes on protein structure and function (SIFT, PolyPhen-2, Align-GVGD) all suggest that this variant is likely to be tolerated. In summary, the available evidence is currently insufficient to determine the role of this variant in disease. Therefore, it has been classified as a Variant of Uncertain Significance.

GeneDx
Classification: Uncertain significance. Last evaluated: 2017-07-18. Review status: criteria provided, single submitter. Criteria: GeneDx Variant Classification (06012015). Collection method: clinical testing. Allele origin: germline. Affected: yes.
Comment: A variant of uncertain significance has been identified in the ISPD gene. The A46P variant has not been published as a pathogenic variant, nor has it been reported as a benign variant to our knowledge. The A46P variant is not observed in large population cohorts; however, limited data are available (Lek et al., 2016; 1000 Genomes Consortium et al., 2015; Exome Variant Server). The A46P variant is a semi-conservative amino acid substitution, which may impact secondary protein structure as these residues differ in some properties. However, this substitution occurs at a position that is not conserved, and in silico analysis predicts this variant likely does not alter the protein structure/function. Therefore, based on the currently available information, it is unclear whether this variant is a pathogenic variant or a rare benign variant.

Eurofins Ntd Llc (ga)
Classification: Uncertain significance. Last evaluated: 2016-02-03. Review status: criteria provided, single submitter. Criteria: EGL Classification Definitions 2015. Collection method: clinical testing. Allele origin: germline. Observed: 1 variant allele, 1 heterozygote.